The following is an entry in ClinVar:

ClinVar aggregate classification (germline): Uncertain significance (1 of 4 stars; one submission).

Conditions:
Charcot-Marie-Tooth disease recessive intermediate C. Also called: CHARCOT-MARIE-TOOTH NEUROPATHY, RECESSIVE INTERMEDIATE C. Identifiers: Orphanet 369867, MedGen C3809309, MONDO:0014154, OMIM 615376.
Neuronopathy, distal hereditary motor, autosomal recessive 4. Also called: Autosomal recessive lower motor neuron disease with childhood onset; NEUROPATHY, DISTAL HEREDITARY MOTOR, AUTOSOMAL RECESSIVE 4. Identifiers: Orphanet 206580, MedGen C1970211, MONDO:0012608, OMIM 611067.

Submission:

Labcorp Genetics (formerly Invitae), Labcorp
Classification: Uncertain significance for Neuronopathy, distal hereditary motor, autosomal recessive 4; Charcot-Marie-Tooth disease recessive intermediate C. Last evaluated: 2022-02-02. Review status: criteria provided, single submitter. Criteria: Invitae Variant Classification Sherloc (09022015). Collection method: clinical testing. Allele origin: germline.
Comment: In summary, the available evidence is currently insufficient to determine the role of this variant in disease. Therefore, it has been classified as a Variant of Uncertain Significance. Algorithms developed to predict the effect of missense changes on protein structure and function are either unavailable or do not agree on the potential impact of this missense change (SIFT: "Deleterious"; PolyPhen-2: "Probably Damaging"; Align-GVGD: "Class C0"). This variant has not been reported in the literature in individuals affected with PLEKHG5-related conditions. This variant is not present in population databases (gnomAD no frequency). This sequence change replaces lysine, which is basic and polar, with isoleucine, which is neutral and non-polar, at codon 483 of the PLEKHG5 protein (p.Lys483Ile).

NM_020631.6(PLEKHG5):c.1448A>T (p.Lys483Ile)

Gene: PLEKHG5 (pleckstrin homology and RhoGEF domain containing G5; minus strand). Cytogenetic location: 1p36.31.
Variant type: single nucleotide variant.
Coding change: c.1448A>T on transcript NM_020631.6 (MANE Select); coding-DNA position 1448, A replaced by T.
Protein change: p.Lys483Ile; replaces lysine 483 with isoleucine.
Molecular consequence: missense variant.
Genome position (GRCh38, 1-based): chr1:6,470,829, T>A on the plus strand (A>T on the coding strand, the complement: PLEKHG5 is on the minus strand). VCF-style: chr1-6470829-T-A. GRCh37 (hg19) VCF-style: chr1-6530889-T-A.
Other names: c.1559A>T, p.Lys520Ile (NM_001042663.3, NM_001265592.2); c.1448A>T, p.Lys483Ile (NM_001042664.2, NM_001042665.2, NM_001265594.3 and 1 more transcripts); c.1655A>T, p.Lys552Ile (NM_001265593.2); short protein forms K520I, K483I, K552I.
Identifiers: ClinVar variation 2091688 (VCV002091688.4), dbSNP rs1242593815, ClinGen allele CA338126873.
Genomic context (GRCh38, chr1:6,470,829, plus strand): 5'-TCGGTCTTCCTCAGCACCGACTTGAGCAGCAGCGGGTACTTGGTGAGCCGCTGGTGGGGT[T>A]TGGCCAGCATGTCGCTCAGCTTCAGCCTCTGGCACTGTGGGTGCTTCTCCGCCCACTGCG-3'
Protein context (NP_065682.2, residues 473-493): QRLKLSDMLA[Lys483Ile]PHQRLTKYPL